The following is an entry in ClinVar:

NM_022114.4(PRDM16):c.1232G>A (p.Arg411Gln)

Gene: PRDM16 (PR/SET domain 16; plus strand). Cytogenetic location: 1p36.32.
Variant type: single nucleotide variant.
Coding change: c.1232G>A on transcript NM_022114.4 (MANE Select); coding-DNA position 1232, G replaced by A.
Protein change: p.Arg411Gln; replaces arginine 411 with glutamine.
Molecular consequence: missense variant.
Genome position (GRCh38, 1-based): chr1:3,411,429, G>A. VCF-style: chr1-3411429-G-A. GRCh37 (hg19) VCF-style: chr1-3327993-G-A.
Other names: c.1232G>A, p.Arg411Gln (NM_199454.3); short protein forms R411Q.
Identifiers: ClinVar variation 1719295 (VCV001719295.5), dbSNP rs2523880273, ClinGen allele CA337996763.

ClinVar aggregate classification (germline): Uncertain significance (1 of 4 stars; one submission).

Conditions:
Left ventricular noncompaction 8 (LVNC8). Identifiers: Orphanet 154, Orphanet 54260, MedGen C3809288, MONDO:0014152, OMIM 615373.

Submission:

Labcorp Genetics (formerly Invitae), Labcorp
Classification: Uncertain significance for Left ventricular noncompaction 8. Last evaluated: 2022-09-13. Review status: criteria provided, single submitter. Criteria: Invitae Variant Classification Sherloc (09022015). Collection method: clinical testing. Allele origin: germline.
Comment: This variant is not present in population databases (gnomAD no frequency). This sequence change replaces arginine, which is basic and polar, with glutamine, which is neutral and polar, at codon 411 of the PRDM16 protein (p.Arg411Gln). This variant has not been reported in the literature in individuals affected with PRDM16-related conditions. Algorithms developed to predict the effect of missense changes on protein structure and function (SIFT, PolyPhen-2, Align-GVGD) all suggest that this variant is likely to be disruptive. In summary, the available evidence is currently insufficient to determine the role of this variant in disease. Therefore, it has been classified as a Variant of Uncertain Significance.